The following is an entry in ClinVar:

ClinVar aggregate classification (germline): Uncertain significance. Review status: criteria provided, multiple submitters, no conflicts (2 of 4 stars). 3 submissions from 3 submitters: Uncertain significance (3). Last evaluated 2024-01-16.

Conditions:
Fraser syndrome 1 (FRASRS1). Also called: CRYPTOPHTHALMOS WITH OTHER MALFORMATIONS. Identifiers: Orphanet 2052, MedGen C4551480, MONDO:0054737, OMIM 219000.

Allele frequency attached by ClinVar (database versions not stated): TOPMed 0.00006; ESP Exome Variant Server 0.00008; gnomAD 0.00009; ExAC 0.00012.
gnomAD v4.1: 83 of 1,613,766 alleles (0.0051%); highest among the groups gnomAD compares: South Asian, 0.029%; 2 homozygotes.

Submissions (3):

GeneDx
Classification: Uncertain significance. Last evaluated: 2024-01-16. Review status: criteria provided, single submitter. Criteria: GeneDx Variant Classification Process June 2021. Collection method: clinical testing. Allele origin: germline. Affected: yes.
Comment: Reported in a patient with Peter's anomaly who also harbors and additional FRAS1 variant and a variant in the SRD5A3 gene (PMID: 35170016); In silico analysis supports that this missense variant has a deleterious effect on protein structure/function; This variant is associated with the following publications: (PMID: 35170016)

Fulgent Genetics
Classification: Uncertain significance for Fraser syndrome 1. Last evaluated: 2024-01-02. Review status: criteria provided, single submitter. Criteria: ACMG Guidelines, 2015. Collection method: clinical testing. Allele origin: germline.

Labcorp Genetics (formerly Invitae), Labcorp
Classification: Uncertain significance. Last evaluated: 2022-07-14. Review status: criteria provided, single submitter. Criteria: Invitae Variant Classification Sherloc (09022015). Collection method: clinical testing. Allele origin: germline.
Comment: This sequence change replaces arginine, which is basic and polar, with histidine, which is basic and polar, at codon 2590 of the FRAS1 protein (p.Arg2590His). This variant is present in population databases (rs371336930, gnomAD 0.04%). This variant has not been reported in the literature in individuals affected with FRAS1-related conditions. Algorithms developed to predict the effect of missense changes on protein structure and function output the following: SIFT: "Tolerated"; PolyPhen-2: "Benign"; Align-GVGD: "Class C0". The histidine amino acid residue is found in multiple mammalian species, which suggests that this missense change does not adversely affect protein function. In summary, the available evidence is currently insufficient to determine the role of this variant in disease. Therefore, it has been classified as a Variant of Uncertain Significance.

NM_025074.7(FRAS1):c.7769G>A (p.Arg2590His)

Gene: FRAS1 (Fraser extracellular matrix complex subunit 1; plus strand). Cytogenetic location: 4q21.21.
Variant type: single nucleotide variant.
Coding change: c.7769G>A on transcript NM_025074.7 (MANE Select); coding-DNA position 7769, G replaced by A.
Protein change: p.Arg2590His; replaces arginine 2590 with histidine.
Molecular consequence: missense variant.
Genome position (GRCh38, 1-based): chr4:78,475,524, G>A. VCF-style: chr4-78475524-G-A. GRCh37 (hg19) VCF-style: chr4-79396678-G-A.
Other names: c.7769G>A (NM_025074.6); short protein forms R2590H.
Identifiers: ClinVar variation 1978106 (VCV001978106.4), dbSNP rs371336930, ClinGen allele CA2978204.